The following is an entry in ClinVar:

NM_018328.5:c.(-925+1_-924-1)_(-831+1_-830-1)del

Gene: MBD5 (methyl-CpG binding domain protein 5; plus strand).
Variant type: Deletion.
Other names: c.(-925+1_-924-1)_(-831+1_-830-1)del (NM_018328.5).
Identifiers: ClinVar variation 2637444 (VCV002637444.1).

ClinVar aggregate classification (germline): Uncertain significance (1 of 4 stars; one submission).

Submission:

Women's Health and Genetics/Laboratory Corporation of America, LabCorp
Classification: Uncertain significance. Last evaluated: 2023-10-24. Review status: criteria provided, single submitter. Criteria: LabCorp Variant Classification Summary - May 2015. Collection method: clinical testing. Allele origin: germline.
Comment: Variant summary: The variant identified by MLPA or other technology involves the deletion of exon 3 in the MBD5 gene, which is located in the 5'-UTR region. A presumed nomenclature of c.(-925+1_-924-1)_(-831+1_-830-1)del has been designated for the purposes of this classification. The MBD5 gene (NM_018328.5) has five noncoding exons at the 5'-end (exons 1-5) and 10 coding exons (exons 6-15), therefore deletion of exon 3 doesn't affect the protein coding region but might alter MBD5 mRNA expression. The variant allele was found at a frequency of 9.2e-05 (i.e. in 2 carriers) in 21694 control chromosomes (gnomAD Structural Variants dataset). Deletion of exon 3 has also been reported in the literature in a family where the child had developmental delay and the mother had a history of psychiatric disorder, but none of them had dysmorphism (Tadros_2017), however MBD5 mRNA expression was not assessed, therefore it is unclear if the variant was truly causative in this family. This report does not provide unequivocal conclusions about association of the variant with MBD5 Associated Neurodevelopmental Disorder. To our knowledge, no experimental evidence demonstrating an impact on protein function has been reported. The following publication have been ascertained in the context of this evaluation (PMID: 28944244). Several submitters have provided clinical-significance assessments for deletion variants which are confined to exon 3 in ClinVar after 2014, without evidence for independent evaluation, and classified the variant as pathogenic / likely pathogenic or VUS. Based on the evidence outlined above, the variant was classified as uncertain significance.

Literature cited by the submitters: PubMed 28944244.